The following is an entry in ClinVar:

NM_006269.2(RP1):c.2317C>A (p.Leu773Ile)

Gene: RP1 (RP1 axonemal microtubule associated; plus strand). Cytogenetic location: 8q12.1.
Variant type: single nucleotide variant.
Coding change: c.2317C>A on transcript NM_006269.2 (MANE Select); coding-DNA position 2317, C replaced by A.
Protein change: p.Leu773Ile; replaces leucine 773 with isoleucine.
Molecular consequence: missense variant. On other transcripts: intron variant (1).
Genome position (GRCh38, 1-based): chr8:54,626,199, C>A. VCF-style: chr8-54626199-C-A. GRCh37 (hg19) VCF-style: chr8-55538759-C-A.
Other names: c.787+3911C>A (NM_001375654.1); short protein forms L773I.
Identifiers: ClinVar variation 957353 (VCV000957353.10), dbSNP rs892285778, ClinGen allele CA177237100.

ClinVar aggregate classification (germline): Uncertain significance. Review status: criteria provided, multiple submitters, no conflicts (2 of 4 stars). 2 submissions from 2 submitters: Uncertain significance (2). Last evaluated 2024-01-30.

Conditions:
Inborn genetic diseases. Identifiers: MedGen C0950123, MeSH D030342.

Allele frequency attached by ClinVar (database versions not stated): gnomAD exomes below 0.00001 and 0.00001; gnomAD 0.00001 and 0.00002.
gnomAD v4.1: 5 of 1,609,614 alleles (0.00031%); highest among the groups gnomAD compares: African/African-American, 0.0067%; no homozygotes.

Submissions (2):

Ambry Genetics
Classification: Uncertain significance for Inborn genetic diseases. Last evaluated: 2024-01-30. Review status: criteria provided, single submitter. Criteria: Ambry Variant Classification Scheme 2023. Collection method: clinical testing. Allele origin: germline.

Labcorp Genetics (formerly Invitae), Labcorp
Classification: Uncertain significance. Last evaluated: 2023-12-11. Review status: criteria provided, single submitter. Criteria: Invitae Variant Classification Sherloc (09022015). Collection method: clinical testing. Allele origin: germline.
Comment: This sequence change replaces leucine, which is neutral and non-polar, with isoleucine, which is neutral and non-polar, at codon 773 of the RP1 protein (p.Leu773Ile). This variant is present in population databases (no rsID available, gnomAD 0.01%). This missense change has been observed in individual(s) with clinical features of RP1-related conditions (Invitae). ClinVar contains an entry for this variant (Variation ID: 957353). An algorithm developed to predict the effect of missense changes on protein structure and function (PolyPhen-2) suggests that this variant is likely to be disruptive. In summary, the available evidence is currently insufficient to determine the role of this variant in disease. Therefore, it has been classified as a Variant of Uncertain Significance.